The following is an entry in ClinVar:

NM_000458.4(HNF1B):c.613C>T (p.Leu205Phe)

Genes: HNF1B (HNF1 homeobox B; minus strand), LOC126862549 (BRD4-independent group 4 enhancer GRCh37_chr17:36093401-36094600; plus strand). Cytogenetic location: 17q12.
Variant type: single nucleotide variant.
Coding change: c.613C>T on transcript NM_000458.4 (MANE Select); coding-DNA position 613, C replaced by T.
Protein change: p.Leu205Phe; replaces leucine 205 with phenylalanine.
Molecular consequence: missense variant. On other transcripts: intron variant (2).
Genome position (GRCh38, 1-based): chr17:37,733,753, G>A on the plus strand (C>T on the coding strand, the complement: HNF1B is on the minus strand). VCF-style: chr17-37733753-G-A. GRCh37 (hg19) VCF-style: chr17-36093746-G-A.
Other names: c.613C>T, p.Leu205Phe (NM_001411100.1); c.545-10C>T (NM_001304286.2, NM_001165923.4); short protein forms L205F.
Identifiers: ClinVar variation 4810369 (VCV004810369.1).

ClinVar aggregate classification (germline): Uncertain significance (1 of 4 stars; one submission).

Submission:

Labcorp Genetics (formerly Invitae), Labcorp
Classification: Uncertain significance. Last evaluated: 2025-03-19. Review status: criteria provided, single submitter. Criteria: Invitae Variant Classification Sherloc (09022015). Collection method: clinical testing. Allele origin: germline.
Comment: This sequence change replaces leucine, which is neutral and non-polar, with phenylalanine, which is neutral and non-polar, at codon 205 of the HNF1B protein (p.Leu205Phe). This variant is not present in population databases (gnomAD no frequency). This variant has not been reported in the literature in individuals affected with HNF1B-related conditions. Invitae Evidence Modeling of protein sequence and biophysical properties (such as structural, functional, and spatial information, amino acid conservation, physicochemical variation, residue mobility, and thermodynamic stability) has been performed for this missense variant. However, the output from this modeling did not meet the statistical confidence thresholds required to predict the impact of this variant on HNF1B protein function. In summary, the available evidence is currently insufficient to determine the role of this variant in disease. Therefore, it has been classified as a Variant of Uncertain Significance.